The following is an entry in ClinVar:

NM_002834.5(PTPN11):c.951G>A (p.Lys317=)

Gene: PTPN11 (protein tyrosine phosphatase non-receptor type 11; plus strand). Cytogenetic location: 12q24.13.
Variant type: single nucleotide variant.
Coding change: c.951G>A on transcript NM_002834.5 (MANE Select); coding-DNA position 951, G replaced by A.
Protein change: p.Lys317=; no amino-acid change (lysine 317 retained).
Molecular consequence: synonymous variant.
Genome position (GRCh38, 1-based): chr12:112,477,874, G>A. VCF-style: chr12-112477874-G-A. GRCh37 (hg19) VCF-style: chr12-112915678-G-A.
Other names: NM_002834.4(PTPN11):c.951G>A; c.951G>A, p.Lys317= (NM_001330437.2, NM_080601.3); c.948G>A, p.Lys316= (NM_001374625.1).
Identifiers: ClinVar variation 307226 (VCV000307226.31), dbSNP rs576405446, ClinGen allele CA6798691.
Genomic context (GRCh38, chr12:112,477,874, plus strand): 5'-GTAACTTTAAGGTGTTTGAAGGATTTTCTTCCTAAATTTCTAGCCTGAATTTGAAACCAA[G>A]TGCAACAATTCAAAGCCCAAAAAGAGTTACATTGCCACACAAGGCTGCCTGCAAAACACG-3'
Protein context (NP_002825.3, residues 307-327): ANIIMPEFET[Lys317=]CNNSKPKKSY

ClinVar aggregate classification (germline): Benign. Review status: reviewed by expert panel (3 of 4 stars). 11 submissions from 9 submitters: Benign (1). 10 of the submissions do not count toward it. Last evaluated 2017-04-18.

Conditions:
Noonan syndrome and Noonan-related syndrome. Identifiers: Orphanet 98733, MedGen C5681679, MONDO:0020297.
LEOPARD syndrome 1 (LPRD1). Also called: PTPN11-Related LEOPARD Syndrome; LENTIGINOSIS, CARDIOMYOPATHIC; MULTIPLE LENTIGINES SYNDROME. Identifiers: Orphanet 500, MedGen C4551484, MONDO:0100082, OMIM 151100.
Noonan syndrome 1 (NS1). Also called: PTPN11-Related Noonan Syndrome; FEMALE PSEUDO-TURNER SYNDROME; TURNER PHENOTYPE WITH NORMAL KARYOTYPE. Identifiers: Orphanet 648, MedGen C4551602, MONDO:0008104, OMIM 163950. Disease mechanism: gain of function.
PTPN11-related disorder. Also called: PTPN11-Related Disorders.
Cardiovascular phenotype. Identifiers: MedGen CN230736.
RASopathy. Also called: rasopathies; Noonan spectrum disorder. Identifiers: Orphanet 536391, MedGen C5555857, MONDO:0021060.
Metachondromatosis (METCDS). Identifiers: Orphanet 2499, MedGen C0410530, MONDO:0007979, OMIM 156250.

Allele frequency attached by ClinVar (database versions not stated): gnomAD 0.00001 and 0.00008; TOPMed 0.00001; gnomAD exomes 0.00015 and 0.00033; ExAC 0.00040; 1000 Genomes Project 0.00080; 1000 Genomes Project 30x 0.00094.
gnomAD v4.1: 236 of 1,614,116 alleles (0.015%); highest among the groups gnomAD compares: South Asian, 0.23%; 2 homozygotes.

Submissions (11):

ClinGen RASopathy Variant Curation Expert Panel
Classification: Benign for Noonan syndrome and Noonan-related syndrome. Last evaluated: 2017-04-18. Review status: reviewed by expert panel. Criteria: ClinGen RASopathy ACMG Specifications v1. Collection method: curation. Allele origin: germline. Inheritance: Autosomal dominant inheritance.
Comment: The filtering allele frequency of the c.951G>A (p.Lys317=) variant in the PTPN11 gene is 0.231% (49/16480) of South Asian chromosomes by the Exome Aggregation Consortium, which is a high enough frequency to be classified as benign based on thresholds defined by the ClinGen RASopathy Expert Panel (BA1; PMID:29493581)

Labcorp Genetics (formerly Invitae), Labcorp
Classification: Benign for RASopathy. Last evaluated: 2025-09-07. Review status: criteria provided, single submitter. Criteria: Invitae Variant Classification Sherloc (09022015). Collection method: clinical testing. Allele origin: germline. Not counted in ClinVar's aggregate classification.

Blueprint Genetics
Classification: Benign. Last evaluated: 2024-09-23. Review status: criteria provided, single submitter. Criteria: ACMG Guidelines, 2015. Collection method: clinical testing. Allele origin: germline. Not counted in ClinVar's aggregate classification.

Women's Health and Genetics/Laboratory Corporation of America, LabCorp
Classification: Benign. Last evaluated: 2022-07-24. Review status: criteria provided, single submitter. Criteria: LabCorp Variant Classification Summary - May 2015. Collection method: clinical testing. Allele origin: germline. Not counted in ClinVar's aggregate classification.

Genetic Services Laboratory, University of Chicago
Classification: Benign. Last evaluated: 2021-05-03. Review status: criteria provided, single submitter. Criteria: ACMG Guidelines, 2015. Collection method: clinical testing. Allele origin: germline. Affected: no. Not counted in ClinVar's aggregate classification.

Genome Diagnostics Laboratory, The Hospital for Sick Children
Classification: Benign for Noonan syndrome and Noonan-related syndrome. Last evaluated: 2021-04-06. Review status: criteria provided, single submitter. Criteria: ACMG Guidelines, 2015. Collection method: clinical testing. Allele origin: germline. Not counted in ClinVar's aggregate classification.

Illumina Laboratory Services, Illumina
Classification: Benign for Metachondromatosis. Last evaluated: 2018-01-13. Review status: criteria provided, single submitter. Criteria: ICSL Variant Classification Criteria 13 December 2019. Collection method: clinical testing. Allele origin: germline. Not counted in ClinVar's aggregate classification.
Comment: This variant was observed in the ICSL laboratory as part of a predisposition screen in an ostensibly healthy population. It had not been previously curated by ICSL or reported in the Human Gene Mutation Database (HGMD: prior to June 1st, 2018), and was therefore a candidate for classification through an automated scoring system. Utilizing variant allele frequency, disease prevalence and penetrance estimates, and inheritance mode, an automated score was calculated to assess if this variant is too frequent to cause the disease. Based on the score and internal cut-off values, a variant classified as benign is not then subjected to further curation. The score for this variant resulted in a classification of benign for this disease.

Illumina Laboratory Services, Illumina
Classification: Likely benign for Noonan syndrome 1. Last evaluated: 2018-01-13. Review status: criteria provided, single submitter. Criteria: ICSL Variant Classification Criteria 13 December 2019. Collection method: clinical testing. Allele origin: germline. Not counted in ClinVar's aggregate classification.
Comment: This variant was observed in the ICSL laboratory as part of a predisposition screen in an ostensibly healthy population. It had not been previously curated by ICSL or reported in the Human Gene Mutation Database (HGMD: prior to June 1st, 2018), and was therefore a candidate for classification through an automated scoring system. Utilizing variant allele frequency, disease prevalence and penetrance estimates, and inheritance mode, an automated score was calculated to assess if this variant is too frequent to cause the disease. Based on the score and internal cut-off values, a variant classified as likely benign is not then subjected to further curation. The score for this variant resulted in a classification of likely benign for this disease.

Illumina Laboratory Services, Illumina
Classification: Benign for LEOPARD syndrome 1. Last evaluated: 2018-01-13. Review status: criteria provided, single submitter. Criteria: ICSL Variant Classification Criteria 13 December 2019. Collection method: clinical testing. Allele origin: germline. Not counted in ClinVar's aggregate classification.
Comment: the same text as in the submission from Illumina Laboratory Services, Illumina above.

Ambry Genetics
Classification: Likely benign for Cardiovascular phenotype. Last evaluated: 2017-06-09. Review status: criteria provided, single submitter. Criteria: Ambry Variant Classification Scheme 2023. Collection method: clinical testing. Allele origin: germline. Not counted in ClinVar's aggregate classification.

PreventionGenetics, part of Exact Sciences
Classification: Benign for PTPN11-related condition. Last evaluated: 2022-12-07. Review status: no assertion criteria provided. Collection method: clinical testing. Allele origin: germline. Not counted in ClinVar's aggregate classification.
Comment: This variant is classified as benign based on ACMG/AMP sequence variant interpretation guidelines (Richards et al. 2015 PMID: 25741868, with internal and published modifications).

Literature cited by the submitters: PubMed 15385933 (cited by Women's Health and Genetics/Laboratory Corporation of America, LabCorp); PubMed 14644997 (cited by Women's Health and Genetics/Laboratory Corporation of America, LabCorp); PubMed 19047918 (cited by Women's Health and Genetics/Laboratory Corporation of America, LabCorp); PubMed 19179468 (cited by Women's Health and Genetics/Laboratory Corporation of America, LabCorp); PubMed 17972951 (cited by Women's Health and Genetics/Laboratory Corporation of America, LabCorp); PubMed 15710330 (cited by Women's Health and Genetics/Laboratory Corporation of America, LabCorp); PubMed 25395418 (cited by Women's Health and Genetics/Laboratory Corporation of America, LabCorp); PubMed 27069254 (cited by Women's Health and Genetics/Laboratory Corporation of America, LabCorp).